The following is an entry in ClinVar:

NM_025114.4(CEP290):c.6076C>T (p.Gln2026Ter)

Gene: CEP290 (centrosomal protein 290; minus strand). Cytogenetic location: 12q21.32.
Variant type: single nucleotide variant.
Coding change: c.6076C>T on transcript NM_025114.4 (MANE Select); coding-DNA position 6076, C replaced by T.
Protein change: p.Gln2026Ter; replaces glutamine 2026 with a stop codon.
Molecular consequence: nonsense.
Genome position (GRCh38, 1-based): chr12:88,068,581, G>A on the plus strand (C>T on the coding strand, the complement: CEP290 is on the minus strand). VCF-style: chr12-88068581-G-A. GRCh37 (hg19) VCF-style: chr12-88462358-G-A.
Other names: short protein forms Q2026*.
Identifiers: ClinVar variation 2944194 (VCV002944194.4), dbSNP rs2499676199, ClinGen allele CA385982153.

ClinVar aggregate classification (germline): Pathogenic. Review status: criteria provided, multiple submitters, no conflicts (2 of 4 stars). 2 submissions from 2 submitters: Pathogenic (2). Last evaluated 2025-10-01.

Conditions:
Meckel-Gruber syndrome. Also called: DYSENCEPHALIA SPLANCHNOCYSTICA; GRUBER SYNDROME; Dysencephalia splachnocystica. Identifiers: Orphanet 564, MedGen C0265215, MONDO:0018921.
Joubert syndrome. Also called: JOUBERT-BOLTSHAUSER SYNDROME; Familial aplasia of the vermis. Identifiers: Orphanet 475, MedGen C5979921, MONDO:0018772.
Nephronophthisis. Also called: Juvenile Nephronophthisis. Identifiers: Orphanet 655, MedGen C0687120, MONDO:0019005, HP:0000090.
CEP290-related ciliopathy. Also called: CEP290 ciliopathy. Identifiers: MedGen CN305601, MONDO:0100451.

Allele frequency attached by ClinVar (database versions not stated): gnomAD exomes below 0.00001.
gnomAD v4.1: 1 of 1,588,652 alleles (0.000063%); highest among the groups gnomAD compares: Non-Finnish European, 0.000085%; no homozygotes.

Submissions (2):

Myriad Genetics, Inc.
Classification: Pathogenic for CEP290-related ciliopathy. Last evaluated: 2025-10-01. Review status: criteria provided, single submitter. Criteria: Myriad Autosomal Dominant, Autosomal Recessive and X-Linked Classification Criteria (2023). Collection method: clinical testing. Allele origin: unknown.
Comment: NM_025114.3(CEP290):c.6076C>T(Q2026*) is expected to be pathogenic in the context of CEP290-related disorders. This variant is predicted to lead to an abnormal or absent protein product due to the creation of a premature termination codon in CEP290, a gene where loss-of-function variants are known to be pathogenic. Please note: this variant was assessed in the context of healthy population screening.

Labcorp Genetics (formerly Invitae), Labcorp
Classification: Pathogenic for Joubert syndrome; Meckel-Gruber syndrome; Nephronophthisis. Last evaluated: 2023-02-14. Review status: criteria provided, single submitter. Criteria: Invitae Variant Classification Sherloc (09022015). Collection method: clinical testing. Allele origin: germline.
Comment: This sequence change creates a premature translational stop signal (p.Gln2026*) in the CEP290 gene. It is expected to result in an absent or disrupted protein product. Loss-of-function variants in CEP290 are known to be pathogenic (PMID: 16909394, 17345604, 20690115). This variant is not present in population databases (gnomAD no frequency). This variant has not been reported in the literature in individuals affected with CEP290-related conditions. For these reasons, this variant has been classified as Pathogenic.

Literature cited by the submitters: PubMed 16909394 (cited by Labcorp Genetics (formerly Invitae), Labcorp); PubMed 17345604 (cited by Labcorp Genetics (formerly Invitae), Labcorp); PubMed 20690115 (cited by Labcorp Genetics (formerly Invitae), Labcorp).